The following is an entry in ClinVar:

NM_024649.5(BBS1):c.1695+4G>C

Genes: BBS1 (Bardet-Biedl syndrome 1; plus strand), ZDHHC24 (zDHHC palmitoyltransferase 24; minus strand). Cytogenetic location: 11q13.2.
Variant type: single nucleotide variant.
Coding change: c.1695+4G>C on transcript NM_024649.5 (MANE Select); 4 bases into the intron after coding-DNA position 1695, G replaced by C.
Molecular consequence: intron variant.
Genome position (GRCh38, 1-based): chr11:66,531,746, G>C. VCF-style: chr11-66531746-G-C. GRCh37 (hg19) VCF-style: chr11-66299217-G-C.
Other names: c.560-2258C>G (NM_001348571.2).
Identifiers: ClinVar variation 2007085 (VCV002007085.4), dbSNP rs2495848377, ClinGen allele CA381426298.

ClinVar aggregate classification (germline): Uncertain significance (1 of 4 stars; one submission).

Conditions:
Bardet-Biedl syndrome (BBS). Identifiers: Orphanet 110, MedGen C0752166, MONDO:0015229.

Allele frequency attached by ClinVar (database versions not stated): gnomAD exomes below 0.00001.

Submission:

Labcorp Genetics (formerly Invitae), Labcorp
Classification: Uncertain significance for Bardet-Biedl syndrome. Last evaluated: 2022-06-15. Review status: criteria provided, single submitter. Criteria: Invitae Variant Classification Sherloc (09022015). Collection method: clinical testing. Allele origin: germline.
Comment: This sequence change falls in intron 16 of the BBS1 gene. It does not directly change the encoded amino acid sequence of the BBS1 protein. It affects a nucleotide within the consensus splice site. In summary, the available evidence is currently insufficient to determine the role of this variant in disease. Therefore, it has been classified as a Variant of Uncertain Significance. Variants that disrupt the consensus splice site are a relatively common cause of aberrant splicing (PMID: 17576681, 9536098). Algorithms developed to predict the effect of sequence changes on RNA splicing suggest that this variant may create or strengthen a splice site. This variant has not been reported in the literature in individuals affected with BBS1-related conditions. This variant is not present in population databases (gnomAD no frequency).

Literature cited by the submitters: PubMed 17576681; PubMed 9536098.